The following is an entry in ClinVar:

NM_001242896.3(DEPDC5):c.414-3C>G

Gene: DEPDC5 (DEP domain containing 5, GATOR1 subcomplex subunit; plus strand). Cytogenetic location: 22q12.2.
Variant type: single nucleotide variant.
Coding change: c.414-3C>G on transcript NM_001242896.3 (MANE Select); 3 bases into the intron before coding-DNA position 414, C replaced by G.
Molecular consequence: intron variant.
Genome position (GRCh38, 1-based): chr22:31,778,096, C>G. VCF-style: chr22-31778096-C-G. GRCh37 (hg19) VCF-style: chr22-32174082-C-G.
Other names: c.414-3C>G (NM_001364318.2, NM_001136029.4, NM_014662.6 and 7 more transcripts); c.330-3C>G (NM_001369902.1, NM_001369901.1).
Identifiers: ClinVar variation 2081383 (VCV002081383.9), dbSNP rs771472545, ClinGen allele CA10195972.

ClinVar aggregate classification (germline): Uncertain significance. Review status: criteria provided, multiple submitters, no conflicts (2 of 4 stars). 2 submissions from 2 submitters: Uncertain significance (2). Last evaluated 2024-10-16.

Conditions:
Epilepsy, familial focal, with variable foci 1 (FFEVF1). Also called: DEPDC5-Related Epilepsy. Identifiers: MedGen C4551983, MONDO:0024556, OMIM 604364.
Familial focal epilepsy with variable foci (FPEVF). Identifiers: Orphanet 98820, MedGen C1858477, MONDO:0020310.

Allele frequency attached by ClinVar (database versions not stated): TOPMed below 0.00001; ExAC 0.00001; gnomAD 0.00001; gnomAD exomes 0.00001.
gnomAD v4.1: 7 of 1,613,944 alleles (0.00043%); highest among the groups gnomAD compares: South Asian, 0.0011%; no homozygotes.

Submissions (2):

Institute of Human Genetics, University of Leipzig Medical Center
Classification: Uncertain significance for Epilepsy, familial focal, with variable foci 1. Last evaluated: 2024-10-16. Review status: criteria provided, single submitter. Criteria: ACMG Guidelines, 2015. Collection method: clinical testing. Allele origin: maternal. Inheritance: Autosomal dominant inheritance. Affected: yes.
Comment: Criteria applied: PP3

Labcorp Genetics (formerly Invitae), Labcorp
Classification: Uncertain significance for Familial focal epilepsy with variable foci. Last evaluated: 2022-09-07. Review status: criteria provided, single submitter. Criteria: Invitae Variant Classification Sherloc (09022015). Collection method: clinical testing. Allele origin: germline.
Comment: This sequence change falls in intron 7 of the DEPDC5 gene. It does not directly change the encoded amino acid sequence of the DEPDC5 protein. It affects a nucleotide within the consensus splice site. In summary, the available evidence is currently insufficient to determine the role of this variant in disease. Therefore, it has been classified as a Variant of Uncertain Significance. Variants that disrupt the consensus splice site are a relatively common cause of aberrant splicing (PMID: 17576681, 9536098). Algorithms developed to predict the effect of sequence changes on RNA splicing suggest that this variant may disrupt the consensus splice site. This variant has not been reported in the literature in individuals affected with DEPDC5-related conditions. This variant is present in population databases (rs771472545, gnomAD 0.003%).

Literature cited by the submitters: PubMed 17576681 (cited by Labcorp Genetics (formerly Invitae), Labcorp); PubMed 9536098 (cited by Labcorp Genetics (formerly Invitae), Labcorp).